The following is an entry in ClinVar:

ClinVar aggregate classification (germline): Pathogenic (1 of 4 stars; one submission).

Conditions:
Ehlers-Danlos syndrome, type 4 (EDSVASC). Also called: Ehlers-Danlos syndrome vascular type; Ehlers Danlos syndrome, ecchymotic type; Ehlers Danlos syndrome, arterial type; Ehlers Danlos syndrome, Sack-Barabas type; Ehlers-Danlos Syndrome Type IV. Identifiers: Orphanet 286, MedGen C0268338, MONDO:0017314, OMIM 130050.

Submission:

Labcorp Genetics (formerly Invitae), Labcorp
Classification: Pathogenic for Ehlers-Danlos syndrome, type 4. Last evaluated: 2021-04-03. Review status: criteria provided, single submitter. Criteria: Invitae Variant Classification Sherloc (09022015). Collection method: clinical testing. Allele origin: germline.
Comment: For these reasons, this variant has been classified as Pathogenic. This variant has not been reported in the literature in individuals with COL3A1-related conditions. This variant is not present in population databases (ExAC no frequency). This sequence change creates a premature translational stop signal (p.Gly273*) in the COL3A1 gene. It is expected to result in an absent or disrupted protein product. Loss-of-function variants in COL3A1 are known to be pathogenic (PMID: 24922459).

Literature cited by the submitters: PubMed 24922459.

NM_000090.4(COL3A1):c.817G>T (p.Gly273Ter)

Gene: COL3A1 (collagen type III alpha 1 chain; plus strand). Cytogenetic location: 2q32.2.
Variant type: single nucleotide variant.
Coding change: c.817G>T on transcript NM_000090.4 (MANE Select); coding-DNA position 817, G replaced by T.
Protein change: p.Gly273Ter; replaces glycine 273 with a stop codon.
Molecular consequence: nonsense.
Genome position (GRCh38, 1-based): chr2:188,991,022, G>T. VCF-style: chr2-188991022-G-T. GRCh37 (hg19) VCF-style: chr2-189855748-G-T.
Other names: short protein forms G273*.
Identifiers: ClinVar variation 1421693 (VCV001421693.6), dbSNP rs2153502051, ClinGen allele CA349849778.
Genomic context (GRCh38, chr2:188,991,022, plus strand): 5'-TAACAGATTTTAATAATTTTGCTGGTTTTATACATTTCCTAGGGCTTCGATGGACGAAAT[G>T]GAGAAAAGGGTGAAACAGGTGCTCCTGGATTAAAGGTAAATCACAACAAAAATCATATTT-3'